The following is an entry in ClinVar:

NM_001267550.2(TTN):c.103529A>G (p.Tyr34510Cys)

Genes: TTN-AS1 (TTN antisense RNA 1; plus strand), TTN (titin; minus strand). Cytogenetic location: 2q31.2.
Variant type: single nucleotide variant.
Coding change: c.103529A>G on transcript NM_001267550.2 (MANE Select); coding-DNA position 103529, A replaced by G.
Protein change: p.Tyr34510Cys; replaces tyrosine 34510 with cysteine.
Molecular consequence: missense variant.
Genome position (GRCh38, 1-based): chr2:178,533,086, T>C on the plus strand (A>G on the coding strand, the complement: TTN is on the minus strand). VCF-style: chr2-178533086-T-C. GRCh37 (hg19) VCF-style: chr2-179397813-T-C.
Other names: c.98606A>G, p.Tyr32869Cys (NM_001256850.1); c.76334A>G, p.Tyr25445Cys (NM_003319.4); c.95825A>G, p.Tyr31942Cys (NM_133378.4); c.76709A>G, p.Tyr25570Cys (NM_133432.3); c.76910A>G, p.Tyr25637Cys (NM_133437.4); short protein forms Y25445C, Y25570C, Y25637C, Y31942C, Y32869C, Y34510C.
Identifiers: ClinVar variation 3756541 (VCV003756541.2).

ClinVar aggregate classification (germline): Uncertain significance (1 of 4 stars; one submission).

Conditions:
Dilated cardiomyopathy 1G (CMD1G). Identifiers: Orphanet 154, MedGen C1858763, MONDO:0011400, OMIM 604145.
Autosomal recessive limb-girdle muscular dystrophy type 2J (LGMDR10). Also called: Limb-girdle muscular dystrophy, type 2J; MUSCULAR DYSTROPHY, LIMB-GIRDLE, AUTOSOMAL RECESSIVE 10. Identifiers: Orphanet 140922, MedGen C1837342, MONDO:0012127, OMIM 608807.

gnomAD v4.1: 2 of 1,614,002 alleles (0.00012%); highest among the groups gnomAD compares: Non-Finnish European, 0.00017%; no homozygotes.

Submission:

Labcorp Genetics (formerly Invitae), Labcorp
Classification: Uncertain significance for Dilated cardiomyopathy 1G; Autosomal recessive limb-girdle muscular dystrophy type 2J. Last evaluated: 2024-05-25. Review status: criteria provided, single submitter. Criteria: Invitae Variant Classification Sherloc (09022015). Collection method: clinical testing. Allele origin: germline.
Comment: This sequence change replaces tyrosine, which is neutral and polar, with cysteine, which is neutral and slightly polar, at codon 34510 of the TTN protein (p.Tyr34510Cys). This variant is not present in population databases (gnomAD no frequency). This variant has not been reported in the literature in individuals affected with TTN-related conditions. Experimental studies and prediction algorithms are not available or were not evaluated, and the functional significance of this variant is currently unknown. This variant is located in the M band of TTN (PMID: 25589632). Non-truncating variants in this region may be relevant for neuromuscular disorders, but have not been definitively shown to cause cardiomyopathy (PMID: 23975875). In summary, the available evidence is currently insufficient to determine the role of this variant in disease. Therefore, it has been classified as a Variant of Uncertain Significance.

Literature cited by the submitters: PubMed 25589632; PubMed 23975875.